The following is an entry in ClinVar:

ClinVar aggregate classification (germline): Benign. Review status: criteria provided, multiple submitters, no conflicts (2 of 4 stars). 3 submissions from 3 submitters: Benign (2). 1 of the submissions does not count toward it. Last evaluated 2019-04-16.

Allele frequency attached by ClinVar (database versions not stated): gnomAD exomes 0.00425; 1000 Genomes Project 0.02216; 1000 Genomes Project 30x 0.02295; TOPMed 0.02312.
gnomAD v4.1: 7,643 of 1,136,828 alleles (0.67%); highest among the groups gnomAD compares: African/African-American, 6.7%; 197 homozygotes.

Submissions (3):

GeneDx
Classification: Benign. Last evaluated: 2019-04-16. Review status: criteria provided, single submitter. Criteria: GeneDx Variant Classification Process June 2021. Collection method: clinical testing. Allele origin: germline. Affected: yes.

Breakthrough Genomics
Classification: Benign. Review status: criteria provided, single submitter. Criteria: ACMG Guidelines, 2015. Collection method: not provided. Allele origin: germline. Inheritance: Autosomal recessive inheritance. Affected: yes.

Leiden Open Variation Database
Classification: Likely benign. Last evaluated: 2012-08-31. Review status: no assertion criteria provided. Collection method: curation. Allele origin: germline. Affected: yes. Not counted in ClinVar's aggregate classification.
Comment: Curator: Arleen D. Auerbach. Submitter to LOVD: Janine Bakker.

Literature cited by the submitters: PubMed 22911665 (cited by Leiden Open Variation Database).

NM_032444.4(SLX4):c.4739+79G>A

Gene: SLX4 (SLX4 structure-specific endonuclease subunit; minus strand). Cytogenetic location: 16p13.3.
Variant type: single nucleotide variant.
Coding change: c.4739+79G>A on transcript NM_032444.4 (MANE Select); 79 bases into the intron after coding-DNA position 4739, G replaced by A.
Molecular consequence: intron variant.
Genome position (GRCh38, 1-based): chr16:3,584,690, C>T on the plus strand (G>A on the coding strand, the complement: SLX4 is on the minus strand). VCF-style: chr16-3584690-C-T. GRCh37 (hg19) VCF-style: chr16-3634691-C-T.
Identifiers: ClinVar variation 929614 (VCV000929614.4), dbSNP rs74762428, ClinGen allele CA276953400.